The following is an entry in ClinVar:

ClinVar aggregate classification (germline): Benign/Likely benign. Review status: criteria provided, multiple submitters, no conflicts (2 of 4 stars). 3 submissions from 3 submitters: Benign (1); Likely benign (2). Last evaluated 2024-10-14.

Conditions:
Hereditary cancer-predisposing syndrome. Also called: Neoplastic Syndromes, Hereditary; Hereditary neoplastic syndrome; Tumor predisposition; Hereditary Cancer Syndrome. Identifiers: Orphanet 140162, MedGen C0027672, MeSH D009386, MONDO:0015356.
Hereditary diffuse gastric adenocarcinoma (HDGC). Also called: DIFFUSE GASTRIC AND LOBULAR BREAST CANCER SYNDROME. Identifiers: Orphanet 26106, MedGen C1708349, MONDO:0007648, OMIM 137215.

Allele frequency attached by ClinVar (database versions not stated): gnomAD exomes below 0.00001.
gnomAD v4.1: 5 of 1,612,568 alleles (0.00031%); highest among the groups gnomAD compares: Admixed American, 0.0017%; no homozygotes.

Submissions (3):

Myriad Genetics, Inc.
Classification: Benign for Hereditary diffuse gastric adenocarcinoma. Last evaluated: 2024-10-14. Review status: criteria provided, single submitter. Criteria: Myriad Autosomal Dominant, Autosomal Recessive and X-Linked Classification Criteria (2023). Collection method: clinical testing. Allele origin: unknown.
Comment: This variant is considered benign. This variant is a silent/synonymous amino acid change and it is not expected to impact splicing.

Ambry Genetics
Classification: Likely benign for Hereditary cancer-predisposing syndrome. Last evaluated: 2023-12-14. Review status: criteria provided, single submitter. Criteria: Ambry Variant Classification Scheme 2023. Collection method: clinical testing. Allele origin: germline.

Labcorp Genetics (formerly Invitae), Labcorp
Classification: Likely benign. Last evaluated: 2023-12-02. Review status: criteria provided, single submitter. Criteria: Invitae Variant Classification Sherloc (09022015). Collection method: clinical testing. Allele origin: germline.

NM_001903.5(CTNNA1):c.1947T>C (p.Asp649=)

Gene: CTNNA1 (catenin alpha 1; plus strand). Cytogenetic location: 5q31.2.
Variant type: single nucleotide variant.
Coding change: c.1947T>C on transcript NM_001903.5 (MANE Select); coding-DNA position 1947, T replaced by C.
Protein change: p.Asp649=; no amino-acid change (aspartic acid 649 retained).
Molecular consequence: synonymous variant.
Genome position (GRCh38, 1-based): chr5:138,929,293, T>C. VCF-style: chr5-138929293-T-C. GRCh37 (hg19) VCF-style: chr5-138264982-T-C.
Other names: c.1947T>C, p.Asp649= (NM_001290307.3, NM_001323982.2, NM_001323983.1 and 2 more transcripts); c.1638T>C, p.Asp546= (NM_001290309.3); c.1578T>C, p.Asp526= (NM_001290310.3); c.837T>C, p.Asp279= (NM_001290312.1, NM_001323987.1, NM_001323988.1 and 17 more transcripts); c.1854T>C, p.Asp618= (NM_001323986.2); c.498T>C, p.Asp166= (NM_001324009.1, NM_001324010.1, NM_001324006.1 and 2 more transcripts); c.744T>C, p.Asp248= (NM_001324011.1); c.594T>C, p.Asp198= (NM_001324012.1, NM_001324013.1); and 1 more.
Identifiers: ClinVar variation 1131036 (VCV001131036.11), dbSNP rs1233185882, ClinGen allele CA446597677.
Genomic context (GRCh38, chr5:138,929,293, plus strand): 5'-GTCTGGGTGGCAGACCCCTGAGGAGTTGGATGACTCTGACTTTGAGACAGAAGATTTTGA[T>C]GTCAGAAGCAGGACGAGCGTCCAGACAGAAGACGATCAGCTGATAGCTGGCCAGAGTGCC-3'
Protein context (NP_001894.2, residues 639-659): DDSDFETEDF[Asp649=]VRSRTSVQTE